The following is an entry in ClinVar:

ClinVar aggregate classification (germline): Likely benign. Review status: criteria provided, multiple submitters, no conflicts (2 of 4 stars). 3 submissions from 3 submitters: Likely benign (2). 1 of the submissions does not count toward it. Last evaluated 2026-01-21.

Conditions:
Charcot-Marie-Tooth disease dominant intermediate E. Also called: CHARCOT-MARIE-TOOTH NEUROPATHY WITH FOCAL SEGMENTAL GLOMERULONEPHRITIS. Identifiers: Orphanet 93114, MedGen C4302667, MONDO:0013758, OMIM 614455.
Focal segmental glomerulosclerosis 5 (FSGS5). Identifiers: Orphanet 656, MedGen C2750475, MONDO:0013191, OMIM 613237.
INF2-related disorder. Also called: INF2-related condition.

Allele frequency attached by ClinVar (database versions not stated): ExAC 0.00005; gnomAD exomes 0.00005; gnomAD 0.00007 and 0.00009; TOPMed 0.00013; ESP Exome Variant Server 0.00016.
gnomAD v4.1: 87 of 1,610,124 alleles (0.0054%); highest among the groups gnomAD compares: African/African-American, 0.024%; 1 homozygote.

Submissions (3):

Labcorp Genetics (formerly Invitae), Labcorp
Classification: Likely benign for Charcot-Marie-Tooth disease dominant intermediate E; Focal segmental glomerulosclerosis 5. Last evaluated: 2026-01-21. Review status: criteria provided, single submitter. Criteria: Invitae Variant Classification Sherloc (09022015). Collection method: clinical testing. Allele origin: germline.

Fulgent Genetics
Classification: Likely benign for Focal segmental glomerulosclerosis 5; Charcot-Marie-Tooth disease dominant intermediate E. Last evaluated: 2021-12-30. Review status: criteria provided, single submitter. Criteria: ACMG Guidelines, 2015. Collection method: clinical testing. Allele origin: unknown.

PreventionGenetics, part of Exact Sciences
Classification: Likely benign for INF2-related condition. Last evaluated: 2022-12-19. Review status: no assertion criteria provided. Collection method: clinical testing. Allele origin: germline. Not counted in ClinVar's aggregate classification.
Comment: This variant is classified as likely benign based on ACMG/AMP sequence variant interpretation guidelines (Richards et al. 2015 PMID: 25741868, with internal and published modifications).

NM_022489.4(INF2):c.2622G>A (p.Ser874=)

Gene: INF2 (inverted formin 2; plus strand). Cytogenetic location: 14q32.33.
Variant type: single nucleotide variant.
Coding change: c.2622G>A on transcript NM_022489.4 (MANE Select); coding-DNA position 2622, G replaced by A.
Protein change: p.Ser874=; no amino-acid change (serine 874 retained).
Molecular consequence: synonymous variant.
Genome position (GRCh38, 1-based): chr14:104,712,839, G>A. VCF-style: chr14-104712839-G-A. GRCh37 (hg19) VCF-style: chr14-105179176-G-A.
Other names: c.2622G>A, p.Ser874= (NM_001031714.4); c.2622G>A (NM_022489.3).
Identifiers: ClinVar variation 1615171 (VCV001615171.11), dbSNP rs374311535, ClinGen allele CA7373023.